The following is an entry in ClinVar:

ClinVar aggregate classification (germline): Likely benign (1 of 4 stars; one submission).

gnomAD v4.1: 4 of 1,614,102 alleles (0.00025%); highest among the groups gnomAD compares: African/African-American, 0.0013%; no homozygotes.

Submission:

CeGaT Center for Human Genetics Tuebingen
Classification: Likely benign. Last evaluated: 2026-06-01. Review status: criteria provided, single submitter. Criteria: CeGaT Center For Human Genetics Tuebingen Variant Classification Criteria Version 2. Collection method: clinical testing. Allele origin: germline. Affected: yes. Observed: 1 variant allele.
Comment: SHANK2: BP4, BP7

NM_012309.5(SHANK2):c.3856C>T (p.Leu1286=)

Gene: SHANK2 (SH3 and multiple ankyrin repeat domains 2; minus strand). Cytogenetic location: 11q13.3.
Variant type: single nucleotide variant.
Coding change: c.3856C>T on transcript NM_012309.5 (MANE Select); coding-DNA position 3856, C replaced by T.
Protein change: p.Leu1286=; no amino-acid change (leucine 1286 retained).
Molecular consequence: synonymous variant.
Genome position (GRCh38, 1-based): chr11:70,486,437, G>A on the plus strand (C>T on the coding strand, the complement: SHANK2 is on the minus strand). VCF-style: chr11-70486437-G-A. GRCh37 (hg19) VCF-style: chr11-70332542-G-A.
Other names: c.2719C>T, p.Leu907= (NM_001379226.1); c.3976C>T, p.Leu1326= (NM_001441024.1); c.3805C>T, p.Leu1269= (NM_001441025.1, NM_001441026.1, NM_001441027.1 and 8 more transcripts); c.3778C>T, p.Leu1260= (NM_001441035.1, NM_001441036.1, NM_001441037.1); c.3733C>T, p.Leu1245= (NM_001441038.1); c.2689C>T, p.Leu897= (NM_001441040.1); c.2641C>T, p.Leu881= (NM_001441041.1); c.2083C>T, p.Leu695= (NM_001441042.1); and 6 more.
Identifiers: ClinVar variation 4875051 (VCV004875051.2).